The following is an entry in ClinVar:

NM_001036.6(RYR3):c.10693C>G (p.Leu3565Val)

Gene: RYR3 (ryanodine receptor 3; plus strand). Cytogenetic location: 15q14.
Variant type: single nucleotide variant.
Coding change: c.10693C>G on transcript NM_001036.6 (MANE Select); coding-DNA position 10693, C replaced by G.
Protein change: p.Leu3565Val; replaces leucine 3565 with valine.
Molecular consequence: missense variant.
Genome position (GRCh38, 1-based): chr15:33,818,671, C>G. VCF-style: chr15-33818671-C-G. GRCh37 (hg19) VCF-style: chr15-34110872-C-G.
Other names: c.10678C>G, p.Leu3560Val (NM_001243996.4); c.10693C>G (NM_001036.3); short protein forms L3560V, L3565V.
Identifiers: ClinVar variation 1002882 (VCV001002882.9), dbSNP rs111761846, ClinGen allele CA268570309.
Genomic context (GRCh38, chr15:33,818,671, plus strand): 5'-GAGACAGAAAAACAACCTGACCCACTACATCAGATCATTCTCTATTTTAGCCGCAACGCT[C>G]TCACGGAGAGGAGGTCAGAACCACCAGCTCACCTGCTTCTCCCAGGCACCAGGGATACTT-3'
Protein context (NP_001027.3, residues 3555-3575): QIILYFSRNA[Leu3565Val]TERSKLEDDP

ClinVar aggregate classification (germline): Uncertain significance. Review status: criteria provided, multiple submitters, no conflicts (2 of 4 stars). 2 submissions from 2 submitters: Uncertain significance (2). Last evaluated 2025-05-06.

Conditions:
Epileptic encephalopathy. Identifiers: MedGen C0543888, HP:0200134.

Allele frequency attached by ClinVar (database versions not stated): gnomAD exomes 0.00001 and 0.00004; TOPMed 0.00003; gnomAD 0.00004.
gnomAD v4.1: 84 of 1,613,636 alleles (0.0052%); highest among the groups gnomAD compares: African/African-American, 0.017%; no homozygotes.

Submissions (2):

Ambry Genetics
Classification: Uncertain significance. Last evaluated: 2025-05-06. Review status: criteria provided, single submitter. Criteria: Ambry Variant Classification Scheme 2023. Collection method: clinical testing. Allele origin: germline.

Labcorp Genetics (formerly Invitae), Labcorp
Classification: Uncertain significance for Epileptic encephalopathy. Last evaluated: 2020-07-24. Review status: criteria provided, single submitter. Criteria: Invitae Variant Classification Sherloc (09022015). Collection method: clinical testing. Allele origin: germline.
Comment: In summary, the available evidence is currently insufficient to determine the role of this variant in disease. Therefore, it has been classified as a Variant of Uncertain Significance. Algorithms developed to predict the effect of missense changes on protein structure and function are either unavailable or do not agree on the potential impact of this missense change (SIFT: "Deleterious"; PolyPhen-2: "Probably Damaging"; Align-GVGD: "Class C0"). This variant has not been reported in the literature in individuals with RYR3-related conditions. This variant is not present in population databases (ExAC no frequency). This sequence change replaces leucine with valine at codon 3565 of the RYR3 protein (p.Leu3565Val). The leucine residue is highly conserved and there is a small physicochemical difference between leucine and valine.